The following is an entry in ClinVar:

ClinVar aggregate classification (germline): Uncertain significance (1 of 4 stars; one submission).

Submission:

Labcorp Genetics (formerly Invitae), Labcorp
Classification: Uncertain significance. Last evaluated: 2021-07-09. Review status: criteria provided, single submitter. Criteria: Invitae Variant Classification Sherloc (09022015). Collection method: clinical testing. Allele origin: germline.
Comment: In summary, the available evidence is currently insufficient to determine the role of this variant in disease. Therefore, it has been classified as a Variant of Uncertain Significance. This variant results in an extension of the PDE6B protein. Other variant(s) that result in a similarly extended protein product (p.*855Trpext*30) have been observed in individuals with PDE6B-related disease (PMID: 30998820). This suggests that these extensions may be clinically significant. This sequence change disrupts the translational stop signal of the PDE6B mRNA. It is expected to extend the length of the PDE6B protein by 30 additional amino acid residues. This variant is not present in population databases (ExAC no frequency). This protein extension has been observed in individual(s) with retinitis pigmentosa (Invitae). ClinVar contains an entry for this variant (Variation ID: 1037422).

Literature cited by the submitters: PubMed 30998820.

NM_000283.4(PDE6B):c.2563T>C (p.Ter855Arg)

Gene: PDE6B (phosphodiesterase 6B; plus strand). Cytogenetic location: 4p16.3.
Variant type: single nucleotide variant.
Coding change: c.2563T>C on transcript NM_000283.4 (MANE Select); coding-DNA position 2563, T replaced by C.
Protein change: p.Ter855Arg.
Molecular consequence: stop lost. On other transcripts: missense variant (2).
Genome position (GRCh38, 1-based): chr4:670,105, T>C. VCF-style: chr4-670105-T-C. GRCh37 (hg19) VCF-style: chr4-663894-T-C.
Other names: c.2560T>C, p.Ter854Arg (NM_001145291.2); c.1726T>C, p.Ter576Arg (NM_001145292.2, NM_001379246.1, NM_001379247.1); c.1661T>C, p.Val554Ala (NM_001350154.3); c.1343T>C, p.Val448Ala (NM_001350155.3); short protein forms V448A, V554A.
Identifiers: ClinVar variation 1037422 (VCV001037422.6), dbSNP rs1738347357, ClinGen allele CA355920845.